The following is an entry in ClinVar:

ClinVar aggregate classification (germline): Uncertain significance (1 of 4 stars; one submission).

Conditions:
Early Myoclonic Encephalopathy. Identifiers: MedGen C0270855.

Allele frequency attached by ClinVar (database versions not stated): gnomAD exomes below 0.00001.
gnomAD v4.1: 5 of 1,604,280 alleles (0.00031%); highest among the groups gnomAD compares: East Asian, 0.0022%; no homozygotes.

Submission:

Labcorp Genetics (formerly Invitae), Labcorp
Classification: Uncertain significance for Early Myoclonic Encephalopathy. Last evaluated: 2022-03-19. Review status: criteria provided, single submitter. Criteria: Invitae Variant Classification Sherloc (09022015). Collection method: clinical testing. Allele origin: germline.
Comment: In summary, the available evidence is currently insufficient to determine the role of this variant in disease. Therefore, it has been classified as a Variant of Uncertain Significance. Algorithms developed to predict the effect of missense changes on protein structure and function are either unavailable or do not agree on the potential impact of this missense change (SIFT: "Deleterious"; PolyPhen-2: "Probably Damaging"; Align-GVGD: "Class C0"). This variant has not been reported in the literature in individuals affected with KCND2-related conditions. This variant is not present in population databases (gnomAD no frequency). This sequence change replaces alanine, which is neutral and non-polar, with threonine, which is neutral and polar, at codon 345 of the KCND2 protein (p.Ala345Thr).

NM_012281.3(KCND2):c.1033G>A (p.Ala345Thr)

Gene: KCND2 (potassium voltage-gated channel subfamily D member 2; plus strand). Cytogenetic location: 7q31.31.
Variant type: single nucleotide variant.
Coding change: c.1033G>A on transcript NM_012281.3 (MANE Select); coding-DNA position 1033, G replaced by A.
Protein change: p.Ala345Thr; replaces alanine 345 with threonine.
Molecular consequence: missense variant.
Genome position (GRCh38, 1-based): chr7:120,275,665, G>A. VCF-style: chr7-120275665-G-A. GRCh37 (hg19) VCF-style: chr7-119915719-G-A.
Other names: short protein forms A345T.
Identifiers: ClinVar variation 1348500 (VCV001348500.6), dbSNP rs2116244445, ClinGen allele CA369132935.